The following is an entry in ClinVar:

NM_182914.3(SYNE2):c.16985C>T (p.Thr5662Ile)

Gene: SYNE2 (spectrin repeat containing nuclear envelope protein 2; plus strand). Cytogenetic location: 14q23.2.
Variant type: single nucleotide variant.
Coding change: c.16985C>T on transcript NM_182914.3 (MANE Select); coding-DNA position 16985, C replaced by T.
Protein change: p.Thr5662Ile; replaces threonine 5662 with isoleucine.
Molecular consequence: missense variant.
Genome position (GRCh38, 1-based): chr14:64,168,956, C>T. VCF-style: chr14-64168956-C-T. GRCh37 (hg19) VCF-style: chr14-64635674-C-T.
Other names: c.16985C>T, p.Thr5662Ile (NM_015180.6); short protein forms T5662I.
Identifiers: ClinVar variation 883824 (VCV000883824.12), dbSNP rs201850995, ClinGen allele CA7223554.

ClinVar aggregate classification (germline): Benign/Likely benign. Review status: criteria provided, multiple submitters, no conflicts (2 of 4 stars). 2 submissions from 2 submitters: Benign (1); Likely benign (1). Last evaluated 2025-02-03.

Conditions:
Emery-Dreifuss muscular dystrophy 5, autosomal dominant (EDMD5). Also called: EMERY-DREIFUSS MUSCULAR DYSTROPHY 5. Identifiers: Orphanet 261, MedGen C2751805, MONDO:0013072, OMIM 612999.

Allele frequency attached by ClinVar (database versions not stated): gnomAD 0.00011 and 0.00013; TOPMed 0.00011; ExAC 0.00019; gnomAD exomes 0.00022; 1000 Genomes Project 30x 0.00031; 1000 Genomes Project 0.00040.
gnomAD v4.1: 66 of 1,613,696 alleles (0.0041%); highest among the groups gnomAD compares: East Asian, 0.14%; no homozygotes.

Submissions (2):

Labcorp Genetics (formerly Invitae), Labcorp
Classification: Likely benign for Emery-Dreifuss muscular dystrophy 5, autosomal dominant. Last evaluated: 2025-02-03. Review status: criteria provided, single submitter. Criteria: Invitae Variant Classification Sherloc (09022015). Collection method: clinical testing. Allele origin: germline.

Illumina Laboratory Services, Illumina
Classification: Benign for Emery-Dreifuss muscular dystrophy 5, autosomal dominant. Last evaluated: 2018-01-13. Review status: criteria provided, single submitter. Criteria: ICSL Variant Classification Criteria 13 December 2019. Collection method: clinical testing. Allele origin: germline.
Comment: This variant was observed in the ICSL laboratory as part of a predisposition screen in an ostensibly healthy population. It had not been previously curated by ICSL or reported in the Human Gene Mutation Database (HGMD: prior to June 1st, 2018), and was therefore a candidate for classification through an automated scoring system. Utilizing variant allele frequency, disease prevalence and penetrance estimates, and inheritance mode, an automated score was calculated to assess if this variant is too frequent to cause the disease. Based on the score and internal cut-off values, a variant classified as benign is not then subjected to further curation. The score for this variant resulted in a classification of benign for this disease.